The following is an entry in ClinVar:

ClinVar aggregate classification (germline): Uncertain significance. Review status: criteria provided, multiple submitters, no conflicts (2 of 4 stars). 2 submissions from 2 submitters: Uncertain significance (2). Last evaluated 2024-11-15.

Conditions:
Inborn genetic diseases. Identifiers: MedGen C0950123, MeSH D030342.

Allele frequency attached by ClinVar (database versions not stated): gnomAD 0.00001; TOPMed 0.00001; gnomAD exomes 0.00002.
gnomAD v4.1: 25 of 1,613,976 alleles (0.0015%); highest among the groups gnomAD compares: Non-Finnish European, 0.002%; no homozygotes.

Submissions (2):

Ambry Genetics
Classification: Uncertain significance for Inborn genetic diseases. Last evaluated: 2024-11-15. Review status: criteria provided, single submitter. Criteria: Ambry Variant Classification Scheme 2023. Collection method: clinical testing. Allele origin: germline.

Labcorp Genetics (formerly Invitae), Labcorp
Classification: Uncertain significance. Last evaluated: 2022-06-18. Review status: criteria provided, single submitter. Criteria: Invitae Variant Classification Sherloc (09022015). Collection method: clinical testing. Allele origin: germline.
Comment: This sequence change replaces methionine, which is neutral and non-polar, with valine, which is neutral and non-polar, at codon 420 of the HTRA2 protein (p.Met420Val). This variant is not present in population databases (gnomAD no frequency). This variant has not been reported in the literature in individuals affected with HTRA2-related conditions. Algorithms developed to predict the effect of missense changes on protein structure and function output the following: SIFT: "Tolerated"; PolyPhen-2: "Benign"; Align-GVGD: "Class C0". The valine amino acid residue is found in multiple mammalian species, which suggests that this missense change does not adversely affect protein function. In summary, the available evidence is currently insufficient to determine the role of this variant in disease. Therefore, it has been classified as a Variant of Uncertain Significance.

NM_013247.5(HTRA2):c.1258A>G (p.Met420Val)

Genes: HTRA2 (HtrA serine peptidase 2; plus strand), LOXL3 (lysyl oxidase like 3; minus strand). Cytogenetic location: 2p13.1.
Variant type: single nucleotide variant.
Coding change: c.1258A>G on transcript NM_013247.5 (MANE Select); coding-DNA position 1258, A replaced by G.
Protein change: p.Met420Val; replaces methionine 420 with valine.
Molecular consequence: missense variant. On other transcripts: non-coding transcript variant (4), 3 prime UTR variant (3).
Genome position (GRCh38, 1-based): chr2:74,532,866, A>G. VCF-style: chr2-74532866-A-G. GRCh37 (hg19) VCF-style: chr2-74759993-A-G.
Other names: c.1192A>G, p.Met398Val (NM_001321727.1); c.1162A>G, p.Met388Val (NM_001321728.1); c.967A>G, p.Met323Val (NM_145074.2); c.*740T>C (NM_001289164.3, NM_001289165.2, NM_032603.5); short protein forms M388V, M323V, M398V, M420V.
Identifiers: ClinVar variation 1953314 (VCV001953314.3), dbSNP rs1675720999, ClinGen allele CA347382798.